The following is an entry in ClinVar:

ClinVar aggregate classification (germline): Uncertain significance (1 of 4 stars; one submission).

Conditions:
DICER1-related tumor predisposition. Also called: DICER1-related pleuropulmonary blastoma cancer predisposition syndrome; DICER1 syndrome. Identifiers: Orphanet 284343, MedGen C3839822, MONDO:0100216.

Submission:

Labcorp Genetics (formerly Invitae), Labcorp
Classification: Uncertain significance for DICER1-related tumor predisposition. Last evaluated: 2019-04-18. Review status: criteria provided, single submitter. Criteria: Invitae Variant Classification Sherloc (09022015). Collection method: clinical testing. Allele origin: germline.
Comment: Algorithms developed to predict the effect of missense changes on protein structure and function (SIFT, PolyPhen-2, Align-GVGD) all suggest that this variant is likely to be tolerated, but these predictions have not been confirmed by published functional studies and their clinical significance is uncertain. In summary, the available evidence is currently insufficient to determine the role of this variant in disease. Therefore, it has been classified as a Variant of Uncertain Significance. This variant has not been reported in the literature in individuals with DICER1-related conditions. This variant is not present in population databases (ExAC no frequency). This sequence change replaces alanine with threonine at codon 1132 of the DICER1 protein (p.Ala1132Thr). The alanine residue is moderately conserved and there is a small physicochemical difference between alanine and threonine.

NM_177438.3(DICER1):c.3394G>A (p.Ala1132Thr)

Gene: DICER1 (dicer 1, ribonuclease III; minus strand). Cytogenetic location: 14q32.13.
Variant type: single nucleotide variant.
Coding change: c.3394G>A on transcript NM_177438.3 (MANE Select); coding-DNA position 3394, G replaced by A.
Protein change: p.Ala1132Thr; replaces alanine 1132 with threonine.
Molecular consequence: missense variant.
Genome position (GRCh38, 1-based): chr14:95,104,002, C>T on the plus strand (G>A on the coding strand, the complement: DICER1 is on the minus strand). VCF-style: chr14-95104002-C-T. GRCh37 (hg19) VCF-style: chr14-95570339-C-T.
Other names: c.3394G>A, p.Ala1132Thr (NM_001195573.1, NM_001271282.3, NM_001291628.2 and 1 more transcripts); short protein forms A1132T.
Identifiers: ClinVar variation 944563 (VCV000944563.11), dbSNP rs1891175661, ClinGen allele CA390875623.